The following is an entry in ClinVar:

ClinVar aggregate classification (germline): Uncertain significance (1 of 4 stars; one submission).

Conditions:
Inborn genetic diseases. Identifiers: MedGen C0950123, MeSH D030342.

Submission:

Ambry Genetics
Classification: Uncertain significance for Inborn genetic diseases. Last evaluated: 2021-08-21. Review status: criteria provided, single submitter. Criteria: Ambry Variant Classification Scheme 2023. Collection method: clinical testing. Allele origin: germline.
Comment: The p.H821Y variant (also known as c.2461C>T), located in coding exon 19 of the BUB1B gene, results from a C to T substitution at nucleotide position 2461. The histidine at codon 821 is replaced by tyrosine, an amino acid with similar properties. This amino acid position is conserved. In addition, this alteration is predicted to be tolerated by in silico analysis. Since supporting evidence is limited at this time, the clinical significance of this alteration remains unclear.

NM_001211.6(BUB1B):c.2461C>T (p.His821Tyr)

Gene: BUB1B (BUB1 mitotic checkpoint serine/threonine kinase B; plus strand). Cytogenetic location: 15q15.1.
Variant type: single nucleotide variant.
Coding change: c.2461C>T on transcript NM_001211.6 (MANE Select); coding-DNA position 2461, C replaced by T.
Protein change: p.His821Tyr; replaces histidine 821 with tyrosine.
Molecular consequence: missense variant.
Genome position (GRCh38, 1-based): chr15:40,212,574, C>T. VCF-style: chr15-40212574-C-T. GRCh37 (hg19) VCF-style: chr15-40504775-C-T.
Other names: short protein forms H821Y.
Identifiers: ClinVar variation 1791639 (VCV001791639.2), dbSNP rs770807071, ClinGen allele CA391695294.